The following is an entry in ClinVar:

NM_014991.6(WDFY3):c.29G>A (p.Arg10Gln)

Gene: WDFY3 (WD repeat and FYVE domain containing 3; minus strand). Cytogenetic location: 4q21.23.
Variant type: single nucleotide variant.
Coding change: c.29G>A on transcript NM_014991.6 (MANE Select); coding-DNA position 29, G replaced by A.
Protein change: p.Arg10Gln; replaces arginine 10 with glutamine.
Molecular consequence: missense variant.
Genome position (GRCh38, 1-based): chr4:84,860,563, C>T on the plus strand (G>A on the coding strand, the complement: WDFY3 is on the minus strand). VCF-style: chr4-84860563-C-T. GRCh37 (hg19) VCF-style: chr4-85781716-C-T.
Other names: short protein forms R10Q.
Identifiers: ClinVar variation 1314602 (VCV001314602.2), dbSNP rs1760462663, ClinGen allele CA357557361.

ClinVar aggregate classification (germline): Uncertain significance (1 of 4 stars; one submission).

Allele frequency attached by ClinVar (database versions not stated): gnomAD exomes below 0.00001; gnomAD 0.00001.
gnomAD v4.1: 3 of 1,611,766 alleles (0.00019%); highest among the groups gnomAD compares: Non-Finnish European, 0.00017%; no homozygotes.

Submission:

GeneDx
Classification: Uncertain significance. Last evaluated: 2021-04-19. Review status: criteria provided, single submitter. Criteria: GeneDx Variant Classification Process June 2021. Collection method: clinical testing. Allele origin: germline. Affected: yes.
Comment: Not observed in large population cohorts (Lek et al., 2016); In silico analysis supports that this missense variant does not alter protein structure/function; Has not been previously published as pathogenic or benign to our knowledge